The following is an entry in ClinVar:

ClinVar aggregate classification (germline): Uncertain significance (1 of 4 stars; one submission).

Conditions:
Familial hemophagocytic lymphohistiocytosis 5. Also called: STXBP2-Related Familial Hemophagocytic Lymphohistiocytosis (STXBP2-fHLH). Identifiers: Orphanet 540, MedGen C2751293, MONDO:0013135, OMIM 613101.

gnomAD v4.1: 3 of 1,613,782 alleles (0.00019%); highest among the groups gnomAD compares: Non-Finnish European, 0.00025%; no homozygotes.

Submission:

Labcorp Genetics (formerly Invitae), Labcorp
Classification: Uncertain significance for Familial hemophagocytic lymphohistiocytosis 5. Last evaluated: 2025-11-24. Review status: criteria provided, single submitter. Criteria: Invitae Variant Classification Sherloc (09022015). Collection method: clinical testing. Allele origin: germline.
Comment: This sequence change replaces serine, which is neutral and polar, with cysteine, which is neutral and slightly polar, at codon 300 of the STXBP2 protein (p.Ser300Cys). This variant is not present in population databases (gnomAD no frequency). This variant has not been reported in the literature in individuals affected with STXBP2-related conditions. Invitae Evidence Modeling of protein sequence and biophysical properties (such as structural, functional, and spatial information, amino acid conservation, physicochemical variation, residue mobility, and thermodynamic stability) has been performed for this missense variant. However, the output from this modeling did not meet the statistical confidence thresholds required to predict the impact of this variant on STXBP2 protein function. In summary, the available evidence is currently insufficient to determine the role of this variant in disease. Therefore, it has been classified as a Variant of Uncertain Significance.

NM_006949.4(STXBP2):c.899C>G (p.Ser300Cys)

Gene: STXBP2 (syntaxin binding protein 2; plus strand). Cytogenetic location: 19p13.2.
Variant type: single nucleotide variant.
Coding change: c.899C>G on transcript NM_006949.4 (MANE Select); coding-DNA position 899, C replaced by G.
Protein change: p.Ser300Cys; replaces serine 300 with cysteine.
Molecular consequence: missense variant. On other transcripts: non-coding transcript variant (1).
Genome position (GRCh38, 1-based): chr19:7,642,533, C>G. VCF-style: chr19-7642533-C-G. GRCh37 (hg19) VCF-style: chr19-7707419-C-G.
Other names: c.803C>G, p.Ser268Cys (NM_001414484.1); c.890C>G, p.Ser297Cys (NM_001127396.3); c.932C>G, p.Ser311Cys (NM_001272034.2); short protein forms S268C, S297C, S300C, S311C.
Identifiers: ClinVar variation 4803599 (VCV004803599.1).